The following is an entry in ClinVar:

NM_000451.4(SHOX):c.616C>T (p.Arg206Trp)

Gene: SHOX (SHOX homeobox; plus strand). Cytogenetic location: Yp11.2.
Variant type: single nucleotide variant.
Coding change: c.616C>T on transcript NM_000451.4 (MANE Select); coding-DNA position 616, C replaced by T.
Protein change: p.Arg206Trp; replaces arginine 206 with tryptophan.
Molecular consequence: missense variant.
Genome position (GRCh38, 1-based): chrX:641,070, C>T. VCF-style: chrX-641070-C-T. GRCh37 (hg19) VCF-style: chrX-601805-C-T.
Other names: c.616C>T, p.Arg206Trp (NM_006883.2); short protein forms R206W.
Identifiers: ClinVar variation 1685119 (VCV001685119.2), dbSNP rs773859404, ClinGen allele CA10330075.

ClinVar aggregate classification (germline): Uncertain significance. Review status: criteria provided, multiple submitters, no conflicts (2 of 4 stars). 2 submissions from 2 submitters: Uncertain significance (2). Last evaluated 2026-03-02.

Allele frequency attached by ClinVar (database versions not stated): TOPMed 0.00001; gnomAD exomes below 0.00001; ExAC 0.00001.
gnomAD v4.1: 5 of 1,613,842 alleles (0.00031%); highest among the groups gnomAD compares: Non-Finnish European, 0.00042%; no homozygotes.

Submissions (2):

Women's Health and Genetics/Laboratory Corporation of America, LabCorp
Classification: Uncertain significance. Last evaluated: 2026-03-02. Review status: criteria provided, single submitter. Criteria: LabCorp Variant Classification Summary - May 2015. Collection method: clinical testing. Allele origin: germline.
Comment: Variant summary: SHOX c.616C>T (p.Arg206Trp) results in a non-conservative amino acid change in the encoded protein sequence. Algorithms developed to predict the effect of missense changes on protein structure and function are either unavailable or do not agree on the potential impact of this missense change. The variant allele was found at a frequency of 4e-06 in 251156 control chromosomes. The available data on variant occurrences in the general population are insufficient to allow any conclusion about variant significance. To our knowledge, no occurrence of c.616C>T in individuals affected with SHOX-related conditions and no experimental evidence demonstrating its impact on protein function have been reported. ClinVar contains an entry for this variant (Variation ID: 1685119). Based on the evidence outlined above, the variant was classified as uncertain significance.

Mendelics
Classification: Uncertain significance. Last evaluated: 2022-05-04. Review status: criteria provided, single submitter. Criteria: Mendelics Assertion Criteria 2019. Collection method: clinical testing. Allele origin: germline.